The following is an entry in ClinVar:

NM_001009944.3(PKD1):c.664G>C (p.Ala222Pro)

Gene: PKD1 (polycystin 1, transient receptor potential channel interacting; minus strand). Cytogenetic location: 16p13.3.
Variant type: single nucleotide variant.
Coding change: c.664G>C on transcript NM_001009944.3 (MANE Select); coding-DNA position 664, G replaced by C.
Protein change: p.Ala222Pro; replaces alanine 222 with proline.
Molecular consequence: missense variant.
Genome position (GRCh38, 1-based): chr16:2,118,328, C>G on the plus strand (G>C on the coding strand, the complement: PKD1 is on the minus strand). VCF-style: chr16-2118328-C-G. GRCh37 (hg19) VCF-style: chr16-2168329-C-G.
Other names: c.664G>C, p.Ala222Pro (NM_000296.4); short protein forms A222P.
Identifiers: ClinVar variation 3345337 (VCV003345337.2).

ClinVar aggregate classification (germline): Likely pathogenic. Review status: criteria provided, single submitter (1 of 4 stars). 2 submissions from 2 submitters: Likely pathogenic (1). 1 of the submissions does not count toward it. Last evaluated 2024-05-24.

Conditions:
Polycystic kidney disease, adult type (PKD1). Also called: Polycystic Kidney, Autosomal Dominant; POLYCYSTIC KIDNEY DISEASE 1 WITH OR WITHOUT POLYCYSTIC LIVER DISEASE; POLYCYSTIC KIDNEY DISEASE, ADULT, TYPE I; Polycystic Kidney Disease 1, Autosomal Dominant; Polycystic kidney disease 1; Polycystic kidney disease 1, severe. Identifiers: MedGen C3149841, MONDO:0008263, OMIM 173900.
PKD1-related disorder. Also called: PKD1-related condition.

Submissions (2):

Fulgent Genetics
Classification: Likely pathogenic for Polycystic kidney disease, adult type. Last evaluated: 2024-05-24. Review status: criteria provided, single submitter. Criteria: ACMG Guidelines, 2015. Collection method: clinical testing. Allele origin: germline.

PreventionGenetics, part of Exact Sciences
Classification: Uncertain significance for PKD1-related condition. Last evaluated: 2024-08-17. Review status: no assertion criteria provided. Collection method: clinical testing. Allele origin: germline. Not counted in ClinVar's aggregate classification.
Comment: The PKD1 c.664G>C variant is predicted to result in the amino acid substitution p.Ala222Pro. This variant has been reported in individuals with autosomal dominant polycystic kidney disease (ADPKD) (Liang et al. 2019. PubMed ID: 31730820; Kim et al. 2021. PubMed ID: 32816041). This variant has not been reported in a large population database, indicating this variant is rare. At this time, the clinical significance of this variant is uncertain due to the absence of conclusive functional and genetic evidence.